The following is an entry in ClinVar:

ClinVar aggregate classification (germline): Uncertain significance. Review status: criteria provided, multiple submitters, no conflicts (2 of 4 stars). 2 submissions from 2 submitters: Uncertain significance (2). Last evaluated 2024-10-23.

Conditions:
Brugada syndrome. Also called: Sudden unexplained nocturnal death syndrome; Sudden Unexplained Death Syndrome; Sudden Unexplained Nocturnal Death Syndrome (SUNDS); Sudden unexpected nocturnal death syndrome. Identifiers: Orphanet 130, MedGen C1142166, MONDO:0015263.
Cardiovascular phenotype. Identifiers: MedGen CN230736.

gnomAD v4.1: 4 of 1,607,400 alleles (0.00025%); highest among the groups gnomAD compares: Non-Finnish European, 0.00034%; no homozygotes.

Submissions (2):

Labcorp Genetics (formerly Invitae), Labcorp
Classification: Uncertain significance for Brugada syndrome. Last evaluated: 2024-10-23. Review status: criteria provided, single submitter. Criteria: Invitae Variant Classification Sherloc (09022015). Collection method: clinical testing. Allele origin: germline.
Comment: This sequence change replaces serine, which is neutral and polar, with threonine, which is neutral and polar, at codon 500 of the SCN10A protein (p.Ser500Thr). This variant is present in population databases (rs777204274, gnomAD 0.0009%). This variant has not been reported in the literature in individuals affected with SCN10A-related conditions. Invitae Evidence Modeling of protein sequence and biophysical properties (such as structural, functional, and spatial information, amino acid conservation, physicochemical variation, residue mobility, and thermodynamic stability) indicates that this missense variant is not expected to disrupt SCN10A protein function with a negative predictive value of 80%. In summary, the available evidence is currently insufficient to determine the role of this variant in disease. Therefore, it has been classified as a Variant of Uncertain Significance.

Ambry Genetics
Classification: Uncertain significance for Cardiovascular phenotype. Last evaluated: 2024-09-20. Review status: criteria provided, single submitter. Criteria: Ambry Variant Classification Scheme 2023. Collection method: clinical testing. Allele origin: germline.
Comment: The p.S500T variant (also known as c.1499G>C), located in coding exon 11 of the SCN10A gene, results from a G to C substitution at nucleotide position 1499. The serine at codon 500 is replaced by threonine, an amino acid with similar properties. This amino acid position is conserved. In addition, the in silico prediction for this alteration is inconclusive. Based on the available evidence, the clinical significance of this variant remains unclear.

NM_006514.4(SCN10A):c.1499G>C (p.Ser500Thr)

Gene: SCN10A (sodium voltage-gated channel alpha subunit 10; minus strand). Cytogenetic location: 3p22.2.
Variant type: single nucleotide variant.
Coding change: c.1499G>C on transcript NM_006514.4 (MANE Select); coding-DNA position 1499, G replaced by C.
Protein change: p.Ser500Thr; replaces serine 500 with threonine.
Molecular consequence: missense variant. On other transcripts: intron variant (1).
Genome position (GRCh38, 1-based): chr3:38,752,475, C>G on the plus strand (G>C on the coding strand, the complement: SCN10A is on the minus strand). VCF-style: chr3-38752475-C-G. GRCh37 (hg19) VCF-style: chr3-38793966-C-G.
Other names: c.1499G>C, p.Ser500Thr (NM_001293306.2); c.1462-2291G>C (NM_001293307.2); short protein forms S500T.
Identifiers: ClinVar variation 3438117 (VCV003438117.3).